The following is an entry in ClinVar:

NM_152564.5(VPS13B):c.8735A>G (p.Tyr2912Cys)

Gene: VPS13B (vacuolar protein sorting 13 homolog B; plus strand). Cytogenetic location: 8q22.2.
Variant type: single nucleotide variant.
Coding change: c.8735A>G on transcript NM_152564.5 (MANE Select); coding-DNA position 8735, A replaced by G.
Protein change: p.Tyr2912Cys; replaces tyrosine 2912 with cysteine.
Molecular consequence: missense variant.
Genome position (GRCh38, 1-based): chr8:99,819,525, A>G. VCF-style: chr8-99819525-A-G. GRCh37 (hg19) VCF-style: chr8-100831753-A-G.
Other names: c.8810A>G, p.Tyr2937Cys (NM_017890.5); c.8810A>G (NM_017890.3); c.8735A>G (NM_152564.4); short protein forms Y2912C, Y2937C.
Identifiers: ClinVar variation 1447069 (VCV001447069.6), dbSNP rs769404310, ClinGen allele CA4824534.

ClinVar aggregate classification (germline): Uncertain significance. Review status: criteria provided, multiple submitters, no conflicts (2 of 4 stars). 3 submissions from 3 submitters: Uncertain significance (2). 1 of the submissions does not count toward it. Last evaluated 2025-05-19.

Conditions:
Inborn genetic diseases. Identifiers: MedGen C0950123, MeSH D030342.
Cohen syndrome (COH1). Also called: Cutis verticis gyrata, retinitis pigmentosa, and sensorineural deafness; PEPPER SYNDROME. Identifiers: Orphanet 193, MedGen C0265223, MONDO:0008999, OMIM 216550.
VPS13B-related disorder. Also called: VPS13B-related condition.

Allele frequency attached by ClinVar (database versions not stated): gnomAD 0.00001; gnomAD exomes 0.00001 and 0.00002; TOPMed 0.00001; ExAC 0.00002.
gnomAD v4.1: 12 of 1,613,780 alleles (0.00074%); highest among the groups gnomAD compares: Middle Eastern, 0.016%; no homozygotes.

Submissions (3):

Ambry Genetics
Classification: Uncertain significance for Inborn genetic diseases. Last evaluated: 2025-05-19. Review status: criteria provided, single submitter. Criteria: Ambry Variant Classification Scheme 2023. Collection method: clinical testing. Allele origin: germline.

Labcorp Genetics (formerly Invitae), Labcorp
Classification: Uncertain significance for Cohen syndrome. Last evaluated: 2022-06-05. Review status: criteria provided, single submitter. Criteria: Invitae Variant Classification Sherloc (09022015). Collection method: clinical testing. Allele origin: germline.
Comment: This sequence change replaces tyrosine, which is neutral and polar, with cysteine, which is neutral and slightly polar, at codon 2937 of the VPS13B protein (p.Tyr2937Cys). This variant is present in population databases (rs769404310, gnomAD 0.01%). This variant has not been reported in the literature in individuals affected with VPS13B-related conditions. ClinVar contains an entry for this variant (Variation ID: 1447069). Algorithms developed to predict the effect of missense changes on protein structure and function are either unavailable or do not agree on the potential impact of this missense change (SIFT: "Not Available"; PolyPhen-2: "Possibly Damaging"; Align-GVGD: "Not Available"). In summary, the available evidence is currently insufficient to determine the role of this variant in disease. Therefore, it has been classified as a Variant of Uncertain Significance.

PreventionGenetics, part of Exact Sciences
Classification: Uncertain significance for VPS13B-related condition. Last evaluated: 2023-12-18. Review status: no assertion criteria provided. Collection method: clinical testing. Allele origin: germline. Not counted in ClinVar's aggregate classification.
Comment: The VPS13B c.8735A>G variant is predicted to result in the amino acid substitution p.Tyr2912Cys. To our knowledge, this variant has not been reported in the literature. This variant is reported in 0.013% of alleles in individuals of South Asian descent in gnomAD.. At this time, the clinical significance of this variant is uncertain due to the absence of conclusive functional and genetic evidence.